The following is an entry in ClinVar:

ClinVar aggregate classification (germline): Likely benign (1 of 4 stars; one submission).

Allele frequency attached by ClinVar (database versions not stated): gnomAD 0.00001; ExAC 0.00010.

Submission:

CeGaT Center for Human Genetics Tuebingen
Classification: Likely benign. Last evaluated: 2022-12-01. Review status: criteria provided, single submitter. Criteria: CeGaT Center For Human Genetics Tuebingen Variant Classification Criteria Version 2. Collection method: clinical testing. Allele origin: germline. Affected: yes. Observed: 1 variant allele.
Comment: PKD1: BP4, BP7

NM_001009944.3(PKD1):c.11397G>A (p.Ala3799=)

Genes: PKD1 (polycystin 1, transient receptor potential channel interacting; minus strand), PKD1-AS1 (PKD1 antisense RNA 1; plus strand). Cytogenetic location: 16p13.3.
Variant type: single nucleotide variant.
Coding change: c.11397G>A on transcript NM_001009944.3 (MANE Select); coding-DNA position 11397, G replaced by A.
Protein change: p.Ala3799=; no amino-acid change (alanine 3799 retained).
Molecular consequence: synonymous variant.
Genome position (GRCh38, 1-based): chr16:2,092,061, C>T on the plus strand (G>A on the coding strand, the complement: PKD1 is on the minus strand). VCF-style: chr16-2092061-C-T. GRCh37 (hg19) VCF-style: chr16-2142062-C-T.
Other names: c.11394G>A, p.Ala3798= (NM_000296.4).
Identifiers: ClinVar variation 2645986 (VCV002645986.24), dbSNP rs753956366, ClinGen allele CA7829161.